The following is an entry in ClinVar:

ClinVar aggregate classification (germline): Likely benign. Review status: criteria provided, multiple submitters, no conflicts (2 of 4 stars). 3 submissions from 3 submitters: Likely benign (3). Last evaluated 2025-11-19.

Conditions:
Pheochromocytoma/paraganglioma syndrome 5. Also called: Paragangliomas 5; SDHA-Related Hereditary Paraganglioma-Pheochromocytoma Syndrome. Identifiers: Orphanet 29072, MedGen C3279992, MONDO:0013602, OMIM 614165.

Allele frequency attached by ClinVar (database versions not stated): gnomAD 0.00001; gnomAD exomes 0.00001; ExAC 0.00003.
gnomAD v4.1: 25 of 1,611,916 alleles (0.0016%); highest among the groups gnomAD compares: Middle Eastern, 0.017%; no homozygotes.

Submissions (3):

Women's Health and Genetics/Laboratory Corporation of America, LabCorp
Classification: Likely benign. Last evaluated: 2025-11-19. Review status: criteria provided, single submitter. Criteria: LabCorp Variant Classification Summary - May 2015. Collection method: clinical testing. Allele origin: germline.

Myriad Genetics, Inc.
Classification: Likely benign for Pheochromocytoma/paraganglioma syndrome 5. Last evaluated: 2025-03-03. Review status: criteria provided, single submitter. Criteria: Myriad Autosomal Dominant, Autosomal Recessive and X-Linked Classification Criteria (2023). Collection method: clinical testing. Allele origin: unknown.
Comment: This variant is considered likely benign. This variant is intronic and is not expected to impact mRNA splicing.

CeGaT Center for Human Genetics Tuebingen
Classification: Likely benign. Last evaluated: 2022-03-01. Review status: criteria provided, single submitter. Criteria: CeGaT Center For Human Genetics Tuebingen Variant Classification Criteria Version 2. Collection method: clinical testing. Allele origin: germline. Affected: yes. Observed: 1 variant allele.
Comment: SDHA: BP4

NM_004168.4(SDHA):c.622-13T>C

Gene: SDHA (succinate dehydrogenase complex flavoprotein subunit A; plus strand). Cytogenetic location: 5p15.33.
Variant type: single nucleotide variant.
Coding change: c.622-13T>C on transcript NM_004168.4 (MANE Select); 13 bases into the intron before coding-DNA position 622, T replaced by C.
Molecular consequence: intron variant.
Genome position (GRCh38, 1-based): chr5:228,172, T>C. VCF-style: chr5-228172-T-C. GRCh37 (hg19) VCF-style: chr5-228287-T-C.
Other names: c.622-13T>C (NM_001330758.2); c.478-13T>C (NM_001294332.2).
Identifiers: ClinVar variation 2655238 (VCV002655238.24), dbSNP rs748743806, ClinGen allele CA3172919.